The following is an entry in ClinVar:

NM_004629.2(FANCG):c.1638T>C (p.Gly546=)

Gene: FANCG (FA complementation group G; minus strand). Cytogenetic location: 9p13.3.
Variant type: single nucleotide variant.
Coding change: c.1638T>C on transcript NM_004629.2 (MANE Select); coding-DNA position 1638, T replaced by C.
Protein change: p.Gly546=; no amino-acid change (glycine 546 retained).
Molecular consequence: synonymous variant.
Genome position (GRCh38, 1-based): chr9:35,074,493, A>G on the plus strand (T>C on the coding strand, the complement: FANCG is on the minus strand). VCF-style: chr9-35074493-A-G. GRCh37 (hg19) VCF-style: chr9-35074490-A-G.
Identifiers: ClinVar variation 366732 (VCV000366732.49), dbSNP rs45537335, ClinGen allele CA5039659.

ClinVar aggregate classification (germline): Benign/Likely benign. Review status: criteria provided, multiple submitters, no conflicts (2 of 4 stars). 9 submissions from 9 submitters: Benign (1); Likely benign (7). 1 of the submissions does not count toward it. Last evaluated 2026-09-01.

Conditions:
Fanconi anemia (FA). Also called: Fanconi's anemia. Identifiers: Orphanet 84, MedGen C0015625, MeSH D005199, MONDO:0019391.
Fanconi anemia complementation group G. Also called: Fanconi anemia group G; FANCG-Related Fanconi Anemia. Identifiers: Orphanet 84, MedGen C3469527, MONDO:0013565, OMIM 614082.
Inborn genetic diseases. Identifiers: MedGen C0950123, MeSH D030342.

Allele frequency attached by ClinVar (database versions not stated): gnomAD exomes 0.00017 and 0.00040; ExAC 0.00046; ESP Exome Variant Server 0.00138; gnomAD 0.00161 and 0.00175; TOPMed 0.00173; 1000 Genomes Project 30x 0.00219; 1000 Genomes Project 0.00220.
gnomAD v4.1: 515 of 1,613,952 alleles (0.032%); highest among the groups gnomAD compares: African/African-American, 0.55%; 2 homozygotes.

Submissions (9):

CeGaT Center for Human Genetics Tuebingen
Classification: Likely benign. Last evaluated: 2026-09-01. Review status: criteria provided, single submitter. Criteria: CeGaT Center For Human Genetics Tuebingen Variant Classification Criteria Version 2. Collection method: clinical testing. Allele origin: germline. Affected: yes. Observed: 4 variant alleles.
Comment: FANCG: BP4, BP7

Labcorp Genetics (formerly Invitae), Labcorp
Classification: Benign for Fanconi anemia. Last evaluated: 2026-01-21. Review status: criteria provided, single submitter. Criteria: Invitae Variant Classification Sherloc (09022015). Collection method: clinical testing. Allele origin: germline.

Ambry Genetics
Classification: Likely benign for Inborn genetic diseases. Last evaluated: 2024-11-18. Review status: criteria provided, single submitter. Criteria: Ambry Variant Classification Scheme 2023. Collection method: clinical testing. Allele origin: germline.

Blueprint Genetics
Classification: Likely benign. Last evaluated: 2024-11-01. Review status: criteria provided, single submitter. Criteria: ACMG Guidelines, 2015. Collection method: clinical testing. Allele origin: germline.

Sema4
Classification: Likely benign for Fanconi anemia. Last evaluated: 2020-12-16. Review status: criteria provided, single submitter. Criteria: Sema4 Curation Guidelines. Collection method: curation. Allele origin: germline.

Genetic Services Laboratory, University of Chicago
Classification: Likely benign. Last evaluated: 2020-03-19. Review status: criteria provided, single submitter. Criteria: ACMG Guidelines, 2015. Collection method: clinical testing. Allele origin: germline. Affected: no.

Illumina Laboratory Services, Illumina
Classification: Likely benign for Fanconi anemia complementation group G. Last evaluated: 2018-01-13. Review status: criteria provided, single submitter. Criteria: ICSL Variant Classification Criteria 13 December 2019. Collection method: clinical testing. Allele origin: germline.
Comment: This variant was observed in the ICSL laboratory as part of a predisposition screen in an ostensibly healthy population. It had not been previously curated by ICSL or reported in the Human Gene Mutation Database (HGMD: prior to June 1st, 2018), and was therefore a candidate for classification through an automated scoring system. Utilizing variant allele frequency, disease prevalence and penetrance estimates, and inheritance mode, an automated score was calculated to assess if this variant is too frequent to cause the disease. Based on the score and internal cut-off values, a variant classified as likely benign is not then subjected to further curation. The score for this variant resulted in a classification of likely benign for this disease.

GeneDx
Classification: Likely benign. Last evaluated: 2016-02-17. Review status: criteria provided, single submitter. Criteria: GeneDx Variant Classification (06012015). Collection method: clinical testing. Allele origin: germline. Affected: yes.
Comment: This variant is considered likely benign or benign based on one or more of the following criteria: it is a conservative change, it occurs at a poorly conserved position in the protein, it is predicted to be benign by multiple in silico algorithms, and/or has population frequency not consistent with disease.

Natera, Inc.
Classification: Likely benign for Fanconi anemia group G. Last evaluated: 2020-01-24. Review status: no assertion criteria provided. Collection method: clinical testing. Allele origin: germline. Not counted in ClinVar's aggregate classification.